The following is an entry in ClinVar:

NM_017763.6(RNF43):c.350del (p.Arg117fs)

Gene: RNF43 (ring finger protein 43; minus strand). Cytogenetic location: 17q22.
Variant type: Deletion.
Coding change: c.350del on transcript NM_017763.6 (MANE Select); coding-DNA position 350, one base deleted (G; older notation c.350delG).
Protein change: p.Arg117fs; shifts the reading frame from arginine 117.
Molecular consequence: frameshift variant.
Genome position (GRCh38, 1-based): chr17:58,370,936, C deleted on the plus strand (G on the coding strand, the reverse complement: RNF43 is on the minus strand). VCF-style (leftmost placement, unchanged base first): chr17-58370935-GC-G. GRCh37 (hg19) VCF-style: chr17-56448296-GC-G.
Other names: c.350delG, p.Arg117Profs (NM_001305544.3, NM_017763.5); c.-32delG (NM_001305545.2); short protein forms R117fs.
Identifiers: ClinVar variation 953771 (VCV000953771.7), dbSNP rs1756668923, ClinGen allele CA501059678.

ClinVar aggregate classification (germline): Uncertain significance (1 of 4 stars; one submission).

Submission:

Labcorp Genetics (formerly Invitae), Labcorp
Classification: Uncertain significance. Last evaluated: 2022-02-02. Review status: criteria provided, single submitter. Criteria: Invitae Variant Classification Sherloc (09022015). Collection method: clinical testing. Allele origin: germline.
Comment: In summary, the available evidence is currently insufficient to determine the role of this variant in disease. Therefore, it has been classified as a Variant of Uncertain Significance. Experimental studies and prediction algorithms are not available or were not evaluated, and the functional significance of this variant is currently unknown. ClinVar contains an entry for this variant (Variation ID: 953771). This variant has not been reported in the literature in individuals affected with RNF43-related conditions. This variant is not present in population databases (gnomAD no frequency). This sequence change creates a premature translational stop signal (p.Arg117Profs*41) in the RNF43 gene. It is expected to result in an absent or disrupted protein product. However, the current clinical and genetic evidence is not sufficient to establish whether loss-of-function variants in RNF43 cause disease.